The following is an entry in ClinVar:

NM_152641.4(ARID2):c.2566_2571del (p.Thr856_Ser857del)

Gene: ARID2 (AT-rich interaction domain 2; plus strand). Cytogenetic location: 12q12.
Variant type: Deletion.
Coding change: c.2566_2571del on transcript NM_152641.4 (MANE Select); coding-DNA positions 2566 to 2571, 6 bases deleted (ACTTCT; older notation c.2566_2571delACTTCT).
Protein change: p.Thr856_Ser857del.
Molecular consequence: inframe deletion.
Genome position (GRCh38, 1-based): chr12:45,850,689-45,850,694, ACTTCT deleted. VCF-style (leftmost placement, unchanged base first): chr12-45850688-AACTTCT-A. GRCh37 (hg19) VCF-style: chr12-46244471-AACTTCT-A.
Other names: c.2566_2571del, p.Thr856_Ser857del (NM_001347839.2).
Identifiers: ClinVar variation 1683747 (VCV001683747.2), dbSNP rs2138164277, ClinGen allele CA2573148705.
Genomic context (GRCh38, chr12:45,850,688, plus strand): 5'-GACATCAGCTGGTAGCCAGTCACAAGATACTGTTATCATAGCACCCCCACAGTATGTAAC[AACTTCT>A]GCATCCAATATTGTCTCAGCAACTTCAGTACAGAATTTTCAGGTAGCTACAGGACAAATG-3'

ClinVar aggregate classification (germline): Uncertain significance (1 of 4 stars; one submission).

Conditions:
Coffin-Siris syndrome 6. Identifiers: MedGen C4540499, MONDO:0033492, OMIM 617808.

Submission:

Laboratorio de Genetica e Diagnostico Molecular, Hospital Israelita Albert Einstein
Classification: Uncertain significance for Coffin-Siris syndrome 6. Last evaluated: 2021-10-14. Review status: criteria provided, single submitter. Criteria: ACMG Guidelines, 2015. Collection method: clinical testing. Allele origin: germline. Affected: yes.
Comment: ACMG classification criteria: PM2 moderate, PM4 moderate